The following is an entry in ClinVar:

NM_000548.5(TSC2):c.2576A>C (p.Asn859Thr)

Gene: TSC2 (TSC complex subunit 2; plus strand). Cytogenetic location: 16p13.3.
Variant type: single nucleotide variant.
Coding change: c.2576A>C on transcript NM_000548.5 (MANE Select); coding-DNA position 2576, A replaced by C.
Protein change: p.Asn859Thr; replaces asparagine 859 with threonine.
Molecular consequence: missense variant.
Genome position (GRCh38, 1-based): chr16:2,075,829, A>C. VCF-style: chr16-2075829-A-C. GRCh37 (hg19) VCF-style: chr16-2125830-A-C.
Other names: c.2576A>C, p.Asn859Thr (NM_001077183.3, NM_001114382.3, NM_001363528.2 and 3 more transcripts); c.2465A>C, p.Asn822Thr (NM_001318827.2); c.2429A>C, p.Asn810Thr (NM_001318829.2); c.1976A>C, p.Asn659Thr (NM_001318831.2); c.2609A>C, p.Asn870Thr (NM_001318832.2); short protein forms N859T, N810T, N659T, N870T, N822T.
Identifiers: ClinVar variation 237997 (VCV000237997.15), dbSNP rs878854085, ClinGen allele CA10583312.

ClinVar aggregate classification (germline): Conflicting classifications of pathogenicity. Review status: criteria provided, conflicting classifications (1 of 4 stars). 3 submissions from 3 submitters: Uncertain significance (2); Likely benign (1). Last evaluated 2025-08-15.

Conditions:
Hereditary cancer-predisposing syndrome. Also called: Tumor predisposition; Hereditary Cancer Syndrome; Hereditary neoplastic syndrome; Neoplastic Syndromes, Hereditary. Identifiers: Orphanet 140162, MedGen C0027672, MeSH D009386, MONDO:0015356.
Tuberous sclerosis syndrome (TSC). Also called: Tuberous Sclerosis Complex; Tuberous sclerosis. Identifiers: Orphanet 805, MedGen C0041341, MONDO:0001734.
Tuberous sclerosis 2 (TSC2). Identifiers: Orphanet 805, MedGen C1860707, MONDO:0013199, OMIM 613254.

Allele frequency attached by ClinVar (database versions not stated): gnomAD exomes below 0.00001.
gnomAD v4.1: 1 of 1,612,884 alleles (0.000062%); highest among the groups gnomAD compares: Non-Finnish European, 0.000085%; no homozygotes.

Submissions (3):

Ambry Genetics
Classification: Uncertain significance for Hereditary cancer-predisposing syndrome. Last evaluated: 2025-08-15. Review status: criteria provided, single submitter. Criteria: Ambry Variant Classification Scheme 2023. Collection method: clinical testing. Allele origin: germline.
Comment: The p.N859T variant (also known as c.2576A>C), located in coding exon 22 of the TSC2 gene, results from an A to C substitution at nucleotide position 2576. The asparagine at codon 859 is replaced by threonine, an amino acid with similar properties. This amino acid position is highly conserved in available vertebrate species. In addition, the in silico prediction for this alteration is inconclusive. Since supporting evidence is limited at this time, the clinical significance of this alteration remains unclear.

Color Diagnostics, LLC DBA Color Health
Classification: Uncertain significance for Tuberous sclerosis syndrome. Last evaluated: 2025-08-07. Review status: criteria provided, single submitter. Criteria: ACMG Guidelines, 2015. Collection method: clinical testing. Allele origin: germline.
Comment: This missense variant replaces asparagine with threonine at codon 859 of the TSC2 protein. Computational prediction suggests that this variant may have deleterious impact on protein structure and function. To our knowledge, functional studies have not been reported for this variant. This variant has not been reported in individuals affected with TSC2-related disorders in the literature. This variant has not been identified in the general population by the Genome Aggregation Database (gnomAD). The available evidence is insufficient to determine the role of this variant in disease conclusively. Therefore, this variant is classified as a Variant of Uncertain Significance.

Labcorp Genetics (formerly Invitae), Labcorp
Classification: Likely benign for Tuberous sclerosis 2. Last evaluated: 2025-05-08. Review status: criteria provided, single submitter. Criteria: Invitae Variant Classification Sherloc (09022015). Collection method: clinical testing. Allele origin: germline.